The following is an entry in ClinVar:

ClinVar aggregate classification (germline): Conflicting classifications of pathogenicity. Review status: criteria provided, conflicting classifications (1 of 4 stars). 3 submissions from 3 submitters: Uncertain significance (2); Likely benign (1). Last evaluated 2023-03-23.

Conditions:
Hereditary cancer-predisposing syndrome. Also called: Neoplastic Syndromes, Hereditary; Tumor predisposition; Hereditary Cancer Syndrome; Hereditary neoplastic syndrome. Identifiers: Orphanet 140162, MedGen C0027672, MeSH D009386, MONDO:0015356.
Hereditary breast ovarian cancer syndrome. Also called: Hereditary breast and ovarian cancer; Hereditary breast and/or ovarian cancer syndrome; BRCA1- and BRCA2-Associated Hereditary Breast and Ovarian Cancer; Hereditary breast and ovarian cancer syndrome (HBOC); Hereditary breast and ovarian cancer syndrome; Breast and ovarian cancer. Identifiers: Orphanet 145, MedGen C0677776, MeSH D061325, MONDO:0003582. Disease mechanism: loss of function.

Submissions (3):

University of Washington Department of Laboratory Medicine, University of Washington
Classification: Likely benign for Hereditary cancer-predisposing syndrome. Last evaluated: 2023-03-23. Review status: criteria provided, single submitter. Criteria: Dines et al. (Genet Med. 2020). Collection method: curation. Allele origin: germline.
Comment: Missense variant in a coldspot region where missense variants are very unlikely to be pathogenic (PMID:31911673).

BRCA1 coldspot (exon 11 using historical exon numbering). Reclassification based on statistical prior probability

Labcorp Genetics (formerly Invitae), Labcorp
Classification: Uncertain significance for Hereditary breast ovarian cancer syndrome. Last evaluated: 2018-10-01. Review status: criteria provided, single submitter. Criteria: Invitae Variant Classification Sherloc (09022015). Collection method: clinical testing. Allele origin: germline.
Comment: Algorithms developed to predict the effect of missense changes on protein structure and function (SIFT, PolyPhen-2, Align-GVGD) all suggest that this variant is likely to be tolerated, but these predictions have not been confirmed by published functional studies and their clinical significance is uncertain. In summary, the available evidence is currently insufficient to determine the role of this variant in disease. Therefore, it has been classified as a Variant of Uncertain Significance. This variant has not been reported in the literature in individuals with BRCA1-related disease. ClinVar contains an entry for this variant (Variation ID: 187243). This variant is not present in population databases (ExAC no frequency). This sequence change replaces serine with glycine at codon 1301 of the BRCA1 protein (p.Ser1301Gly). The serine residue is moderately conserved and there is a small physicochemical difference between serine and glycine.

Ambry Genetics
Classification: Uncertain significance for Hereditary cancer-predisposing syndrome. Last evaluated: 2018-03-15. Review status: criteria provided, single submitter. Criteria: Ambry Variant Classification Scheme 2023. Collection method: clinical testing. Allele origin: germline.
Comment: The p.S1301G variant (also known as c.3901A>G and 4020A>G), located in coding exon 9 of the BRCA1 gene, results from an A to G substitution at nucleotide position 3901. The serine at codon 1301 is replaced by glycine, an amino acid with similar properties. This amino acid position is well conserved in available vertebrate species. In addition, the in silico prediction for this alteration is inconclusive. Since supporting evidence is limited at this time, the clinical significance of p.S1301G remains unclear.

NM_007294.4(BRCA1):c.3901A>G (p.Ser1301Gly)

Genes: BRCA1 (BRCA1 DNA repair associated; minus strand), LOC126862571 (BRD4-independent group 4 enhancer GRCh37_chr17:41243136-41244335; plus strand). Cytogenetic location: 17q21.31.
Variant type: single nucleotide variant.
Coding change: c.3901A>G on transcript NM_007294.4 (MANE Select); coding-DNA position 3901, A replaced by G.
Protein change: p.Ser1301Gly; replaces serine 1301 with glycine.
Molecular consequence: missense variant. On other transcripts: intron variant (135).
Genome position (GRCh38, 1-based): chr17:43,091,630, T>C on the plus strand (A>G on the coding strand, the complement: BRCA1 is on the minus strand). VCF-style: chr17-43091630-T-C. GRCh37 (hg19) VCF-style: chr17-41243647-T-C.
Other names: c.3688A>G, p.Ser1230Gly (NM_001407571.1, NM_001407853.1, NM_001407894.1 and 9 more transcripts); c.3901A>G, p.Ser1301Gly (NM_001407581.1, NM_001407582.1, NM_001407583.1 and 30 more transcripts); c.3898A>G, p.Ser1300Gly (NM_001407587.1, NM_001407590.1, NM_001407591.1 and 22 more transcripts); c.3892A>G, p.Ser1298Gly (NM_001407646.1, NM_001407647.1); c.3778A>G, p.Ser1260Gly (NM_001407648.1, NM_001407664.1, NM_001407665.1 and 19 more transcripts); c.3775A>G, p.Ser1259Gly (NM_001407649.1, NM_001407670.1, NM_001407671.1 and 11 more transcripts); c.3823A>G, p.Ser1275Gly (NM_001407653.1, NM_001407654.1, NM_001407655.1 and 4 more transcripts); c.3820A>G, p.Ser1274Gly (NM_001407659.1, NM_001407660.1, NM_001407661.1 and 1 more transcripts); and 41 more; short protein forms S1301G, S1254G, S1005G, S1230G, S1231G, S1298G, S433G, S1174G.
Identifiers: ClinVar variation 187243 (VCV000187243.17), dbSNP rs786203580, ClinGen allele CA002511.
Genomic context (GRCh38, chr17:43,091,630, plus strand): 5'-AAGAACCAATCAAGAAAGGATCCTGGGTGTTTGTATTTGCAGTCAAGTCTTCCAATTCAC[T>C]GCACTGTGAAGAAAACAAGCTAGCAGAACATTTTGTTTCCTCACTAAGGTGATGTTCCTG-3'
Protein context (NP_009225.1, residues 1291-1311): CSASLFSSQC[Ser1301Gly]ELEDLTANTN